The following is an entry in ClinVar:

NM_000066.4(C8B):c.27G>A (p.Trp9Ter)

Gene: C8B (complement C8 beta chain; minus strand). Cytogenetic location: 1p32.2.
Variant type: single nucleotide variant.
Coding change: c.27G>A on transcript NM_000066.4 (MANE Select); coding-DNA position 27, G replaced by A.
Protein change: p.Trp9Ter; replaces tryptophan 9 with a stop codon.
Molecular consequence: nonsense. On other transcripts: 5 prime UTR variant (2).
Genome position (GRCh38, 1-based): chr1:56,965,922, C>T on the plus strand (G>A on the coding strand, the complement: C8B is on the minus strand). VCF-style: chr1-56965922-C-T. GRCh37 (hg19) VCF-style: chr1-57431595-C-T.
Other names: c.-352G>A (NM_001278543.2); c.-289G>A (NM_001278544.2); short protein forms W9*.
Identifiers: ClinVar variation 1032165 (VCV001032165.6), dbSNP rs759074976, ClinGen allele CA876138.
Genomic context (GRCh38, chr1:56,965,922, plus strand): 5'-GCCAGGCAAACTGAGACAGCCCAGGGCAGCACAGAGAAGAAATAGCTCCACCGGCGCCCT[C>T]CAAGCCCATGTCCTGGAATTCTTCATTTTCCCAATGTGACAGGAGATGCCACAGAGGCTG-3'

ClinVar aggregate classification (germline): Pathogenic. Review status: criteria provided, multiple submitters, no conflicts (2 of 4 stars). 2 submissions from 2 submitters: Pathogenic (2). Last evaluated 2025-04-28.

Conditions:
Type II complement component 8 deficiency. Also called: COMPLEMENT C8 DEFICIENCY, TYPE II; C8 BETA DEFICIENCY; C8B DEFICIENCY; COMPLEMENT COMPONENT 8B DEFICIENCY. Identifiers: MedGen C3151080, MONDO:0013421, OMIM 613789.

Allele frequency attached by ClinVar (database versions not stated): gnomAD exomes below 0.00001 and 0.00001; ExAC 0.00001; gnomAD 0.00005 and 0.00006; TOPMed 0.00006.
gnomAD v4.1: 15 of 1,613,914 alleles (0.00093%); highest among the groups gnomAD compares: African/African-American, 0.02%; no homozygotes.

Submissions (2):

Labcorp Genetics (formerly Invitae), Labcorp
Classification: Pathogenic. Last evaluated: 2025-04-28. Review status: criteria provided, single submitter. Criteria: Invitae Variant Classification Sherloc (09022015). Collection method: clinical testing. Allele origin: germline.
Comment: This sequence change creates a premature translational stop signal (p.Trp9*) in the C8B gene. It is expected to result in an absent or disrupted protein product. Loss-of-function variants in C8B are known to be pathogenic (PMID: 7594510). This variant is present in population databases (rs759074976, gnomAD 0.02%). This variant has not been reported in the literature in individuals affected with C8B-related conditions. ClinVar contains an entry for this variant (Variation ID: 1032165). For these reasons, this variant has been classified as Pathogenic.

Baylor Genetics
Classification: Pathogenic for Type II complement component 8 deficiency. Last evaluated: 2018-04-14. Review status: criteria provided, single submitter. Criteria: ACMG Guidelines, 2015. Collection method: clinical testing. Allele origin: maternal. Affected: yes.
Comment: This variant was determined to be pathogenic according to ACMG Guidelines, 2015 [PMID:25741868].

Literature cited by the submitters: PubMed 7594510 (cited by Labcorp Genetics (formerly Invitae), Labcorp).